The following is an entry in ClinVar:

ClinVar aggregate classification (germline): Uncertain significance (1 of 4 stars; one submission).

Submission:

Labcorp Genetics (formerly Invitae), Labcorp
Classification: Uncertain significance. Last evaluated: 2023-12-11. Review status: criteria provided, single submitter. Criteria: Invitae Variant Classification Sherloc (09022015). Collection method: clinical testing. Allele origin: germline.
Comment: This sequence change replaces leucine, which is neutral and non-polar, with arginine, which is basic and polar, at codon 367 of the LIPN protein (p.Leu367Arg). This variant is not present in population databases (gnomAD no frequency). This variant has not been reported in the literature in individuals affected with LIPN-related conditions. An algorithm developed to predict the effect of missense changes on protein structure and function (PolyPhen-2) suggests that this variant is likely to be disruptive. In summary, the available evidence is currently insufficient to determine the role of this variant in disease. Therefore, it has been classified as a Variant of Uncertain Significance.

NM_001102469.2(LIPN):c.1100T>G (p.Leu367Arg)

Gene: LIPN (lipase family member N; plus strand). Cytogenetic location: 10q23.31.
Variant type: single nucleotide variant.
Coding change: c.1100T>G on transcript NM_001102469.2 (MANE Select); coding-DNA position 1100, T replaced by G.
Protein change: p.Leu367Arg; replaces leucine 367 with arginine.
Molecular consequence: missense variant.
Genome position (GRCh38, 1-based): chr10:88,778,145, T>G. VCF-style: chr10-88778145-T-G. GRCh37 (hg19) VCF-style: chr10-90537902-T-G.
Other names: short protein forms L367R.
Identifiers: ClinVar variation 2750506 (VCV002750506.3), dbSNP rs1843327142, ClinGen allele CA377507089.